The following is an entry in ClinVar:

NM_000443.4(ABCB4):c.1230+7dup

Gene: ABCB4 (ATP binding cassette subfamily B member 4; minus strand). Cytogenetic location: 7q21.12.
Variant type: Duplication.
Coding change: c.1230+7dup on transcript NM_000443.4 (MANE Select); 7 bases into the intron after coding-DNA position 1230, one base duplicated (T; older notation c.1230+7dupT).
Molecular consequence: intron variant.
Genome position (GRCh38, 1-based): chr7:87,443,656, A duplicated on the plus strand (T on the coding strand, the reverse complement: ABCB4 is on the minus strand). VCF-style (leftmost placement, unchanged base first): chr7-87443655-T-TA. GRCh37 (hg19) VCF-style: chr7-87072971-T-TA.
Other names: c.1230+7dup (NM_018850.3, NM_018849.3); c.1230+7dupT (NM_000443.3).
Identifiers: ClinVar variation 2891979 (VCV002891979.4), dbSNP rs760103564, ClinGen allele CA4327357.

ClinVar aggregate classification (germline): Likely benign. Review status: criteria provided, single submitter (1 of 4 stars). 2 submissions from 2 submitters: Likely benign (1). 1 of the submissions does not count toward it. Last evaluated 2026-01-09.

Conditions:
ABCB4-related disorder. Also called: ABCB4-related disorders; ABCB4-related condition.

Allele frequency attached by ClinVar (database versions not stated): ExAC 0.00001; TOPMed 0.00002; gnomAD 0.00001; gnomAD exomes 0.00005.

Submissions (2):

Labcorp Genetics (formerly Invitae), Labcorp
Classification: Likely benign. Last evaluated: 2026-01-09. Review status: criteria provided, single submitter. Criteria: Invitae Variant Classification Sherloc (09022015). Collection method: clinical testing. Allele origin: germline.

PreventionGenetics, part of Exact Sciences
Classification: Likely benign for ABCB4-related condition. Last evaluated: 2024-07-15. Review status: no assertion criteria provided. Collection method: clinical testing. Allele origin: germline. Not counted in ClinVar's aggregate classification.
Comment: This variant is classified as likely benign based on ACMG/AMP sequence variant interpretation guidelines (Richards et al. 2015 PMID: 25741868, with internal and published modifications).